The following is an entry in ClinVar:

ClinVar aggregate classification (germline): Conflicting classifications of pathogenicity. Review status: criteria provided, conflicting classifications (1 of 4 stars). 2 submissions from 2 submitters: Uncertain significance (1); Likely benign (1). Last evaluated 2025-07-15.

Allele frequency attached by ClinVar (database versions not stated): gnomAD 0.00003; ExAC 0.00007; TOPMed 0.00011; ESP Exome Variant Server 0.00015.
gnomAD v4.1: 30 of 1,610,358 alleles (0.0019%); highest among the groups gnomAD compares: East Asian, 0.011%; no homozygotes.

Submissions (2):

Ambry Genetics
Classification: Uncertain significance. Last evaluated: 2025-07-15. Review status: criteria provided, single submitter. Criteria: Ambry Variant Classification Scheme 2023. Collection method: clinical testing. Allele origin: germline.

CeGaT Center for Human Genetics Tuebingen
Classification: Likely benign. Last evaluated: 2023-04-01. Review status: criteria provided, single submitter. Criteria: CeGaT Center For Human Genetics Tuebingen Variant Classification Criteria Version 2. Collection method: clinical testing. Allele origin: germline. Affected: yes. Observed: 1 variant allele.
Comment: CSPG4: BP4

NM_001897.5(CSPG4):c.2363G>A (p.Arg788Gln)

Gene: CSPG4 (chondroitin sulfate proteoglycan 4; minus strand). Cytogenetic location: 15q24.2.
Variant type: single nucleotide variant.
Coding change: c.2363G>A on transcript NM_001897.5 (MANE Select); coding-DNA position 2363, G replaced by A.
Protein change: p.Arg788Gln; replaces arginine 788 with glutamine.
Molecular consequence: missense variant.
Genome position (GRCh38, 1-based): chr15:75,688,702, C>T on the plus strand (G>A on the coding strand, the complement: CSPG4 is on the minus strand). VCF-style: chr15-75688702-C-T. GRCh37 (hg19) VCF-style: chr15-75981043-C-T.
Other names: c.2363G>A (NM_001897.4); short protein forms R788Q.
Identifiers: ClinVar variation 2645572 (VCV002645572.25), dbSNP rs370158884, ClinGen allele CA7670376.